The following is an entry in ClinVar:

ClinVar aggregate classification (germline): Uncertain significance (1 of 4 stars; one submission).

Submission:

Labcorp Genetics (formerly Invitae), Labcorp
Classification: Uncertain significance. Last evaluated: 2019-11-11. Review status: criteria provided, single submitter. Criteria: Invitae Variant Classification Sherloc (09022015). Collection method: clinical testing. Allele origin: germline.
Comment: In summary, the available evidence is currently insufficient to determine the role of this variant in disease. Therefore, it has been classified as a Variant of Uncertain Significance. Algorithms developed to predict the effect of missense changes on protein structure and function are either unavailable or do not agree on the potential impact of this missense change (SIFT: "Deleterious"; PolyPhen-2: "Benign"; Align-GVGD: "Class C0"). This variant has not been reported in the literature in individuals with CLCN4-related conditions. This variant is not present in population databases (ExAC no frequency). This sequence change replaces serine with phenylalanine at codon 410 of the CLCN4 protein (p.Ser410Phe). The serine residue is moderately conserved and there is a large physicochemical difference between serine and phenylalanine.

NM_001830.4(CLCN4):c.1229C>T (p.Ser410Phe)

Gene: CLCN4 (chloride voltage-gated channel 4; plus strand). Cytogenetic location: Xp22.2.
Variant type: single nucleotide variant.
Coding change: c.1229C>T on transcript NM_001830.4 (MANE Select); coding-DNA position 1229, C replaced by T.
Protein change: p.Ser410Phe; replaces serine 410 with phenylalanine.
Molecular consequence: missense variant.
Genome position (GRCh38, 1-based): chrX:10,208,430, C>T. VCF-style: chrX-10208430-C-T. GRCh37 (hg19) VCF-style: chrX-10176470-C-T.
Other names: c.947C>T, p.Ser316Phe (NM_001256944.2); short protein forms S316F, S410F.
Identifiers: ClinVar variation 939203 (VCV000939203.9), dbSNP rs1924451588, ClinGen allele CA412038195.